The following is an entry in ClinVar:

NM_001267550.2(TTN):c.79199_79200del (p.Lys26400fs)

Genes: TTN-AS1 (TTN antisense RNA 1; plus strand), TTN (titin; minus strand). Cytogenetic location: 2q31.2.
Variant type: Deletion.
Coding change: c.79199_79200del on transcript NM_001267550.2 (MANE Select); coding-DNA positions 79199 to 79200, 2 bases deleted (AA; older notation c.79199_79200delAA).
Protein change: p.Lys26400fs; shifts the reading frame from lysine 26400.
Molecular consequence: frameshift variant.
Genome position (GRCh38, 1-based): chr2:178,566,932-178,566,933, TT deleted on the plus strand (AA on the coding strand, the reverse complement: TTN is on the minus strand); deleting any 2 consecutive bases within chr2:178,566,932-178,566,934 gives the same sequence; the c. name uses the placement nearest the transcript's 3' end. VCF-style (leftmost placement, unchanged base first): chr2-178566931-CTT-C. GRCh37 (hg19) VCF-style: chr2-179431658-CTT-C.
Other names: c.74276_74277del, p.Lys24759fs (NM_001256850.1); c.52004_52005del, p.Lys17335fs (NM_003319.4); c.71495_71496del, p.Lys23832fs (NM_133378.4); c.52379_52380del, p.Lys17460fs (NM_133432.3); c.52580_52581del, p.Lys17527fs (NM_133437.4); short protein forms K17527fs, K24759fs, K26400fs, K17335fs, K17460fs, K23832fs.
Identifiers: ClinVar variation 1465433 (VCV001465433.8), dbSNP rs2154165935, ClinGen allele CA2573133019.
Genomic context (GRCh38, chr2:178,566,931, plus strand): 5'-AACCAATAATCTCACTTCCACCATCACTATCTGGACGGTTCCAACAGACGGTCATGGAGT[CTT>C]TGGCAATATTTGTGACTTCCAAGCTTTTTGGTGGTCCAGGAAGCACAAATGGATTTTTCA-3'

ClinVar aggregate classification (germline): Likely pathogenic (1 of 4 stars; one submission).

Conditions:
Dilated cardiomyopathy 1G (CMD1G). Identifiers: Orphanet 154, MedGen C1858763, MONDO:0011400, OMIM 604145.
Autosomal recessive limb-girdle muscular dystrophy type 2J (LGMDR10). Also called: Limb-girdle muscular dystrophy, type 2J; MUSCULAR DYSTROPHY, LIMB-GIRDLE, AUTOSOMAL RECESSIVE 10. Identifiers: Orphanet 140922, MedGen C1837342, MONDO:0012127, OMIM 608807.

Submission:

Labcorp Genetics (formerly Invitae), Labcorp
Classification: Likely pathogenic for Dilated cardiomyopathy 1G; Autosomal recessive limb-girdle muscular dystrophy type 2J. Last evaluated: 2020-11-11. Review status: criteria provided, single submitter. Criteria: Invitae Variant Classification Sherloc (09022015). Collection method: clinical testing. Allele origin: germline.
Comment: This sequence change creates a premature translational stop signal (p.Lys26400Argfs*12) in the TTN gene. While this is not anticipated to result in nonsense mediated decay, it is expected to create a truncated TTN protein. This variant is not present in population databases (ExAC no frequency). This variant has not been reported in the literature in individuals with TTN-related conditions. This variant is located in the A band of TTN (PMID: 25589632). Truncating variants in this region are significantly overrepresented in patients affected with dilated cardiomyopathy (PMID: 25589632). Truncating variants in this region have also been reported in individuals affected with autosomal recessive centronuclear myopathy (PMID: 23975875). In summary, the currently available evidence indicates that the variant is pathogenic, but additional data are needed to prove that conclusively. Therefore, this variant has been classified as Likely Pathogenic.

Literature cited by the submitters: PubMed 25589632; PubMed 23975875.